The following is an entry in ClinVar:

ClinVar aggregate classification (germline): Uncertain significance (1 of 4 stars; one submission).

Submission:

Labcorp Genetics (formerly Invitae), Labcorp
Classification: Uncertain significance. Last evaluated: 2021-06-03. Review status: criteria provided, single submitter. Criteria: Invitae Variant Classification Sherloc (09022015). Collection method: clinical testing. Allele origin: germline.
Comment: This variant has not been reported in the literature in individuals with RELB-related conditions. In summary, the available evidence is currently insufficient to determine the role of this variant in disease. Therefore, it has been classified as a Variant of Uncertain Significance. Experimental studies and prediction algorithms are not available or were not evaluated, and the functional significance of this variant is currently unknown. The frequency data for this variant in the population databases is considered unreliable, as metrics indicate insufficient coverage at this position in the ExAC database. This sequence change affects the initiator methionine of the RELB mRNA. The next in-frame methionine is located at codon 18.

NM_006509.4(RELB):c.1A>G (p.Met1Val)

Genes: RELB (RELB proto-oncogene, NF-kB subunit; plus strand), LOC130064661 (ATAC-STARR-seq lymphoblastoid silent region 10746; plus strand). Cytogenetic location: 19q13.32.
Variant type: single nucleotide variant.
Coding change: c.1A>G on transcript NM_006509.4 (MANE Select); coding-DNA position 1, A replaced by G.
Protein change: p.Met1Val; changes the start codon (methionine 1).
Molecular consequence: missense variant, initiator codon variant.
Genome position (GRCh38, 1-based): chr19:45,001,580, A>G. VCF-style: chr19-45001580-A-G. GRCh37 (hg19) VCF-style: chr19-45504838-A-G.
Other names: short protein forms M1V.
Identifiers: ClinVar variation 1463700 (VCV001463700.8), dbSNP rs2122370937, ClinGen allele CA406319120.